The following is an entry in ClinVar:

NM_013447.4(ADGRE2):c.1368C>A (p.Asn456Lys)

Gene: ADGRE2 (adhesion G protein-coupled receptor E2; minus strand). Cytogenetic location: 19p13.12.
Variant type: single nucleotide variant.
Coding change: c.1368C>A on transcript NM_013447.4 (MANE Select); coding-DNA position 1368, C replaced by A.
Protein change: p.Asn456Lys; replaces asparagine 456 with lysine.
Molecular consequence: missense variant.
Genome position (GRCh38, 1-based): chr19:14,755,702, G>T on the plus strand (C>A on the coding strand, the complement: ADGRE2 is on the minus strand). VCF-style: chr19-14755702-G-T. GRCh37 (hg19) VCF-style: chr19-14866514-G-T.
Other names: c.1368C>A, p.Asn456Lys (NM_001271052.1); c.1221C>A, p.Asn407Lys (NM_152916.2); c.1089C>A, p.Asn363Lys (NM_152917.2); short protein forms N456K, N363K, N407K.
Identifiers: ClinVar variation 2971652 (VCV002971652.3), dbSNP rs759974915, ClinGen allele CA404455285.

ClinVar aggregate classification (germline): Uncertain significance (1 of 4 stars; one submission).

gnomAD v4.1: 2 of 1,614,186 alleles (0.00012%); highest among the groups gnomAD compares: Non-Finnish European, 0.000085%; no homozygotes.

Submission:

Labcorp Genetics (formerly Invitae), Labcorp
Classification: Uncertain significance. Last evaluated: 2023-11-28. Review status: criteria provided, single submitter. Criteria: Invitae Variant Classification Sherloc (09022015). Collection method: clinical testing. Allele origin: germline.
Comment: This sequence change replaces asparagine, which is neutral and polar, with lysine, which is basic and polar, at codon 456 of the ADGRE2 protein (p.Asn456Lys). This variant is not present in population databases (gnomAD no frequency). This variant has not been reported in the literature in individuals affected with ADGRE2-related conditions. Algorithms developed to predict the effect of missense changes on protein structure and function output the following: SIFT: "Not Available"; PolyPhen-2: "Benign"; Align-GVGD: "Not Available". The lysine amino acid residue is found in multiple mammalian species, which suggests that this missense change does not adversely affect protein function. In summary, the available evidence is currently insufficient to determine the role of this variant in disease. Therefore, it has been classified as a Variant of Uncertain Significance.